The following is an entry in ClinVar:

ClinVar aggregate classification (germline): Uncertain significance (1 of 4 stars; one submission).

Conditions:
Cardiovascular phenotype. Identifiers: MedGen CN230736.

gnomAD v4.1: 2 of 1,611,668 alleles (0.00012%); highest among the groups gnomAD compares: Non-Finnish European, 0.00017%; no homozygotes.

Submission:

Ambry Genetics
Classification: Uncertain significance for Cardiovascular phenotype. Last evaluated: 2025-01-14. Review status: criteria provided, single submitter. Criteria: Ambry Variant Classification Scheme 2023. Collection method: clinical testing. Allele origin: germline.
Comment: The c.59-3T>C intronic variant results from a T to C substitution 3 nucleotides upstream from coding exon 2 in the MFAP5 gene. This nucleotide position is poorly conserved in available vertebrate species. In silico splice site analysis predicts that this alteration will not have any significant effect on splicing. The evidence for this gene-disease relationship is limited; therefore, the clinical significance of this alteration is unclear.

NM_003480.4(MFAP5):c.59-3T>C

Gene: MFAP5 (microfibril associated protein 5; minus strand). Cytogenetic location: 12p13.31.
Variant type: single nucleotide variant.
Coding change: c.59-3T>C on transcript NM_003480.4 (MANE Select); 3 bases into the intron before coding-DNA position 59, T replaced by C.
Molecular consequence: intron variant.
Genome position (GRCh38, 1-based): chr12:8,660,901, A>G on the plus strand (T>C on the coding strand, the complement: MFAP5 is on the minus strand). VCF-style: chr12-8660901-A-G. GRCh37 (hg19) VCF-style: chr12-8813497-A-G.
Other names: c.58+1146T>C (NM_001297710.2); c.59-3T>C (NM_001297711.2, NM_001297712.2, NM_001297709.2).
Identifiers: ClinVar variation 3872572 (VCV003872572.1).